The following is an entry in ClinVar:

NM_006904.7(PRKDC):c.1471T>C (p.Cys491Arg)

Gene: PRKDC (protein kinase, DNA-activated, catalytic subunit; minus strand). Cytogenetic location: 8q11.21.
Variant type: single nucleotide variant.
Coding change: c.1471T>C on transcript NM_006904.7 (MANE Select); coding-DNA position 1471, T replaced by C.
Protein change: p.Cys491Arg; replaces cysteine 491 with arginine.
Molecular consequence: missense variant.
Genome position (GRCh38, 1-based): chr8:47,935,035, A>G on the plus strand (T>C on the coding strand, the complement: PRKDC is on the minus strand). VCF-style: chr8-47935035-A-G. GRCh37 (hg19) VCF-style: chr8-48847595-A-G.
Other names: c.1471T>C, p.Cys491Arg (NM_001081640.2); short protein forms C491R.
Identifiers: ClinVar variation 3310085 (VCV003310085.1).
Genomic context (GRCh38, chr8:47,935,035, plus strand): 5'-GATTAATTTTCTAAACATTAAATTCAGAATTTACCTTTGGAAGGACCACTGGTTTAGAAC[A>G]TATTCTGATTAAACCCTGATGCACTGAAAAAAGAAAAAGAAAACAAAAATGAAGGAAACA-3'
Protein context (NP_008835.5, residues 481-501): TVVHQGLIRI[Cys491Arg]SKPVVLPKGP

ClinVar aggregate classification (germline): Uncertain significance (1 of 4 stars; one submission).

Submission:

Ambry Genetics
Classification: Uncertain significance. Last evaluated: 2024-03-21. Review status: criteria provided, single submitter. Criteria: Ambry Variant Classification Scheme 2023. Collection method: clinical testing. Allele origin: germline.
Comment: The p.C491R variant (also known as c.1471T>C), located in coding exon 14 of the PRKDC gene, results from a T to C substitution at nucleotide position 1471. The cysteine at codon 491 is replaced by arginine, an amino acid with highly dissimilar properties. This amino acid position is conserved. In addition, the in silico prediction for this alteration is inconclusive. Based on the available evidence, the clinical significance of this alteration remains unclear.